The following is an entry in ClinVar:

NM_002907.4(RECQL):c.1077A>C (p.Lys359Asn)

Gene: RECQL (RecQ like helicase; minus strand). Cytogenetic location: 12p12.1.
Variant type: single nucleotide variant.
Coding change: c.1077A>C on transcript NM_002907.4 (MANE Select); coding-DNA position 1077, A replaced by C.
Protein change: p.Lys359Asn; replaces lysine 359 with asparagine.
Molecular consequence: missense variant.
Genome position (GRCh38, 1-based): chr12:21,475,697, T>G on the plus strand (A>C on the coding strand, the complement: RECQL is on the minus strand). VCF-style: chr12-21475697-T-G. GRCh37 (hg19) VCF-style: chr12-21628631-T-G.
Other names: c.1077A>C, p.Lys359Asn (NM_032941.3); short protein forms K359N.
Identifiers: ClinVar variation 1419722 (VCV001419722.11), dbSNP rs970717805, ClinGen allele CA384121166.

ClinVar aggregate classification (germline): Conflicting classifications of pathogenicity. Review status: criteria provided, conflicting classifications (1 of 4 stars). 3 submissions from 3 submitters: Uncertain significance (2); Likely benign (1). Last evaluated 2024-03-28.

Conditions:
RECON progeroid syndrome (RECON). Identifiers: MedGen C5830504, MONDO:0957266, OMIM 620370.

gnomAD v4.1: 5 of 1,613,260 alleles (0.00031%); highest among the groups gnomAD compares: Non-Finnish European, 0.00042%; no homozygotes.

Submissions (3):

Ambry Genetics
Classification: Likely benign. Last evaluated: 2024-03-28. Review status: criteria provided, single submitter. Criteria: Ambry Variant Classification Scheme 2023. Collection method: clinical testing. Allele origin: germline.

Fulgent Genetics
Classification: Uncertain significance for RECON progeroid syndrome. Last evaluated: 2024-01-15. Review status: criteria provided, single submitter. Criteria: ACMG Guidelines, 2015. Collection method: clinical testing. Allele origin: germline.

Labcorp Genetics (formerly Invitae), Labcorp
Classification: Uncertain significance. Last evaluated: 2022-06-01. Review status: criteria provided, single submitter. Criteria: Invitae Variant Classification Sherloc (09022015). Collection method: clinical testing. Allele origin: germline.
Comment: This sequence change replaces lysine, which is basic and polar, with asparagine, which is neutral and polar, at codon 359 of the RECQL protein (p.Lys359Asn). This variant is present in population databases (no rsID available, gnomAD 0.0009%). This variant has not been reported in the literature in individuals affected with RECQL-related conditions. ClinVar contains an entry for this variant (Variation ID: 1419722). Algorithms developed to predict the effect of missense changes on protein structure and function (SIFT, PolyPhen-2, Align-GVGD) all suggest that this variant is likely to be tolerated. In summary, the available evidence is currently insufficient to determine the role of this variant in disease. Therefore, it has been classified as a Variant of Uncertain Significance.